The following is an entry in ClinVar:

NM_001492.6(GDF1):c.891G>C (p.Gln297His)

Genes: CERS1 (ceramide synthase 1; minus strand), GDF1 (growth differentiation factor 1; minus strand). Cytogenetic location: 19p13.11.
Variant type: single nucleotide variant.
Coding change: c.891G>C on transcript NM_001492.6 (MANE Select); coding-DNA position 891, G replaced by C.
Protein change: p.Gln297His; replaces glutamine 297 with histidine.
Molecular consequence: missense variant. On other transcripts: 3 prime UTR variant (2).
Genome position (GRCh38, 1-based): chr19:18,868,825, C>G on the plus strand (G>C on the coding strand, the complement: GDF1 is on the minus strand). VCF-style: chr19-18868825-C-G. GRCh37 (hg19) VCF-style: chr19-18979634-C-G.
Other names: c.*1752G>C (NM_001387440.1); c.*1160G>C (NM_021267.5); c.891G>C, p.Gln297His (NM_001387438.1); short protein forms Q297H.
Identifiers: ClinVar variation 1297486 (VCV001297486.6), dbSNP rs890558836, ClinGen allele CA404862146.

ClinVar aggregate classification (germline): Uncertain significance. Review status: criteria provided, single submitter (1 of 4 stars). 3 submissions from 3 submitters: Uncertain significance (1). 2 of the submissions do not count toward it. Last evaluated 2023-03-24.

gnomAD v4.1: 8 of 1,457,152 alleles (0.00055%); highest among the groups gnomAD compares: Non-Finnish European, 0.00073%; no homozygotes.

Submissions (3):

Labcorp Genetics (formerly Invitae), Labcorp
Classification: Uncertain significance. Last evaluated: 2023-03-24. Review status: criteria provided, single submitter. Criteria: Invitae Variant Classification Sherloc (09022015). Collection method: clinical testing. Allele origin: germline.
Comment: This sequence change replaces glutamine, which is neutral and polar, with histidine, which is basic and polar, at codon 297 of the GDF1 protein (p.Gln297His). This variant is not present in population databases (gnomAD no frequency). This variant has not been reported in the literature in individuals affected with GDF1-related conditions. ClinVar contains an entry for this variant (Variation ID: 1297486). Advanced modeling of protein sequence and biophysical properties (such as structural, functional, and spatial information, amino acid conservation, physicochemical variation, residue mobility, and thermodynamic stability) performed at Invitae indicates that this missense variant is not expected to disrupt GDF1 protein function. In summary, the available evidence is currently insufficient to determine the role of this variant in disease. Therefore, it has been classified as a Variant of Uncertain Significance.

Clinical Genetics DNA and cytogenetics Diagnostics Lab, Erasmus MC, Erasmus Medical Center
Classification: Uncertain significance. Review status: no assertion criteria provided. Collection method: clinical testing. Allele origin: germline. Affected: yes. Study: VKGL Data-share Consensus. Not counted in ClinVar's aggregate classification.

Joint Genome Diagnostic Labs from Nijmegen and Maastricht, Radboudumc and MUMC+
Classification: Uncertain significance. Review status: no assertion criteria provided. Collection method: clinical testing. Allele origin: germline. Affected: yes. Study: VKGL Data-share Consensus. Not counted in ClinVar's aggregate classification.